The following is an entry in ClinVar:

ClinVar aggregate classification (germline): Uncertain significance (1 of 4 stars; one submission).

Conditions:
USH2A-related disorder. Also called: USH2A-related disorders; USH2A-related condition. Identifiers: MedGen CN239332.

Submission:

Myriad Genetics, Inc.
Classification: Uncertain significance for USH2A-related disorder. Last evaluated: 2025-12-22. Review status: criteria provided, single submitter. Criteria: Myriad Autosomal Dominant, Autosomal Recessive and X-Linked Classification Criteria (2023). Collection method: clinical testing. Allele origin: unknown.
Comment: NM_206933.2(USH2A):c.13480T>C(Y4494H) is a missense variant classified as a variant of uncertain significance in the context of USH2A-related disorders. Y4494H has been observed in a case with relevant disease (PMID: 32188678). Relevant functional assessments of this variant are not available in the literature. Y4494H has not been observed in referenced population frequency databases. In summary, there is insufficient evidence to classify NM_206933.2(USH2A):c.13480T>C(Y4494H) as pathogenic or benign. Please note: this variant was assessed in the context of healthy population screening.

Literature cited by the submitters: PubMed 32188678.

NM_206933.4(USH2A):c.13480T>C (p.Tyr4494His)

Gene: USH2A (usherin; minus strand). Cytogenetic location: 1q41.
Variant type: single nucleotide variant.
Coding change: c.13480T>C on transcript NM_206933.4 (MANE Select); coding-DNA position 13480, T replaced by C.
Protein change: p.Tyr4494His; replaces tyrosine 4494 with histidine.
Molecular consequence: missense variant.
Genome position (GRCh38, 1-based): chr1:215,674,431, A>G on the plus strand (T>C on the coding strand, the complement: USH2A is on the minus strand). VCF-style: chr1-215674431-A-G. GRCh37 (hg19) VCF-style: chr1-215847773-A-G.
Other names: short protein forms Y4494H.
Identifiers: ClinVar variation 5003688 (VCV005003688.1).